The following is an entry in ClinVar:

NM_001267550.2(TTN):c.63095A>G (p.His21032Arg)

Genes: TTN (titin; minus strand), TTN-AS1 (TTN antisense RNA 1; plus strand). Cytogenetic location: 2q31.2.
Variant type: single nucleotide variant.
Coding change: c.63095A>G on transcript NM_001267550.2 (MANE Select); coding-DNA position 63095, A replaced by G.
Protein change: p.His21032Arg; replaces histidine 21032 with arginine.
Molecular consequence: missense variant.
Genome position (GRCh38, 1-based): chr2:178,588,630, T>C on the plus strand (A>G on the coding strand, the complement: TTN is on the minus strand). VCF-style: chr2-178588630-T-C. GRCh37 (hg19) VCF-style: chr2-179453357-T-C.
Other names: c.58172A>G, p.His19391Arg (NM_001256850.1); c.35900A>G, p.His11967Arg (NM_003319.4); c.55391A>G, p.His18464Arg (NM_133378.4); c.36275A>G, p.His12092Arg (NM_133432.3); c.36476A>G, p.His12159Arg (NM_133437.4); short protein forms H18464R, H21032R, H11967R, H12092R, H12159R, H19391R.
Identifiers: ClinVar variation 191927 (VCV000191927.1), dbSNP rs767798579, ClinGen allele CA237891.

ClinVar aggregate classification (germline): Uncertain significance (1 of 4 stars; one submission).

Allele frequency attached by ClinVar (database versions not stated): gnomAD exomes below 0.00001 and 0.00001; ExAC 0.00002.
gnomAD v4.1: 4 of 1,599,210 alleles (0.00025%); highest among the groups gnomAD compares: East Asian, 0.0022%; no homozygotes.

Submission:

Biesecker Lab/Clinical Genomics Section, National Institutes of Health
Classification: Uncertain significance. Last evaluated: 2013-06-24. Review status: criteria provided, single submitter. Criteria: Ng et al. (Circ Cardiovasc Genet. 2013). Collection method: research. Allele origin: unknown. Observed: 1 variant allele. Study: ClinSeq.
Comment: The study set was not selected for affection status in relation to any cancer. Pathogenicity categories were based on literature curation. See Pubmed ID:23861362 for details.

Medical sequencing